The following is an entry in ClinVar:

NM_001009944.3(PKD1):c.2273T>G (p.Leu758Arg)

Gene: PKD1 (polycystin 1, transient receptor potential channel interacting; minus strand). Cytogenetic location: 16p13.3.
Variant type: single nucleotide variant.
Coding change: c.2273T>G on transcript NM_001009944.3 (MANE Select); coding-DNA position 2273, T replaced by G.
Protein change: p.Leu758Arg; replaces leucine 758 with arginine.
Molecular consequence: missense variant.
Genome position (GRCh38, 1-based): chr16:2,114,750, A>C on the plus strand (T>G on the coding strand, the complement: PKD1 is on the minus strand). VCF-style: chr16-2114750-A-C. GRCh37 (hg19) VCF-style: chr16-2164751-A-C.
Other names: c.2273T>G, p.Leu758Arg (NM_000296.4); short protein forms L758R.
Identifiers: ClinVar variation 4687158 (VCV004687158.1).

ClinVar aggregate classification (germline): Uncertain significance (1 of 4 stars; one submission).

Submission:

Women's Health and Genetics/Laboratory Corporation of America, LabCorp
Classification: Uncertain significance. Last evaluated: 2025-10-20. Review status: criteria provided, single submitter. Criteria: LabCorp Variant Classification Summary - May 2015. Collection method: clinical testing. Allele origin: germline.
Comment: Variant summary: PKD1 c.2273T>G (p.Leu758Arg) results in a non-conservative amino acid change in the encoded protein sequence. Algorithms developed to predict the effect of missense changes on protein structure and function are either unavailable or do not agree on the potential impact of this missense change. The variant was absent in 133238 control chromosomes. The available data on variant occurrences in the general population are insufficient to allow any conclusion about variant significance. To our knowledge, no occurrence of c.2273T>G in individuals affected with PKD1-related conditions and no experimental evidence demonstrating its impact on protein function have been reported. No submitters have cited clinical-significance assessments for this variant to ClinVar. Based on the evidence outlined above, the variant was classified as uncertain significance.